The following is an entry in ClinVar:

NM_005634.3(SOX3):c.861G>T (p.Met287Ile)

Gene: SOX3 (SRY-box transcription factor 3; minus strand). Cytogenetic location: Xq27.1.
Variant type: single nucleotide variant.
Coding change: c.861G>T on transcript NM_005634.3 (MANE Select); coding-DNA position 861, G replaced by T.
Protein change: p.Met287Ile; replaces methionine 287 with isoleucine.
Molecular consequence: missense variant.
Genome position (GRCh38, 1-based): chrX:140,504,200, C>A on the plus strand (G>T on the coding strand, the complement: SOX3 is on the minus strand). VCF-style: chrX-140504200-C-A. GRCh37 (hg19) VCF-style: chrX-139586365-C-A.
Other names: short protein forms M287I.
Identifiers: ClinVar variation 4742427 (VCV004742427.1).
Genomic context (GRCh38, chrX:140,504,200, plus strand): 5'-CAGGCCGGCCATGTCGTAGCGGTGCATCGGCGGCAGCGCGGGCGGCGGCGGCGGGCTGCT[C>A]ATGCTCGGGGGCTGCGCGTAGCCCAGCTGCTCCTGCACCAGCGAGTACGCGCCGTTGGCC-3'
Protein context (NP_005625.2, residues 277-297): EQLGYAQPPS[Met287Ile]SSPPPPPALP

ClinVar aggregate classification (germline): Uncertain significance (1 of 4 stars; one submission).

Submission:

Labcorp Genetics (formerly Invitae), Labcorp
Classification: Uncertain significance. Last evaluated: 2025-09-20. Review status: criteria provided, single submitter. Criteria: Invitae Variant Classification Sherloc (09022015). Collection method: clinical testing. Allele origin: germline.
Comment: This sequence change replaces methionine, which is neutral and non-polar, with isoleucine, which is neutral and non-polar, at codon 287 of the SOX3 protein (p.Met287Ile). This variant is not present in population databases (gnomAD no frequency). This variant has not been reported in the literature in individuals affected with SOX3-related conditions. Invitae Evidence Modeling of protein sequence and biophysical properties (such as structural, functional, and spatial information, amino acid conservation, physicochemical variation, residue mobility, and thermodynamic stability) indicates that this missense variant is not expected to disrupt SOX3 protein function with a negative predictive value of 80%. In summary, the available evidence is currently insufficient to determine the role of this variant in disease. Therefore, it has been classified as a Variant of Uncertain Significance.